The following is an entry in ClinVar:

NM_001244008.2(KIF1A):c.4584C>T (p.Ser1528=)

Gene: KIF1A (kinesin family member 1A; minus strand). Cytogenetic location: 2q37.3.
Variant type: single nucleotide variant.
Coding change: c.4584C>T on transcript NM_001244008.2 (MANE Select); coding-DNA position 4584, C replaced by T.
Protein change: p.Ser1528=; no amino-acid change (serine 1528 retained).
Molecular consequence: synonymous variant.
Genome position (GRCh38, 1-based): chr2:240,722,537, G>A on the plus strand (C>T on the coding strand, the complement: KIF1A is on the minus strand). VCF-style: chr2-240722537-G-A. GRCh37 (hg19) VCF-style: chr2-241661954-G-A.
Other names: c.4584C>T (NM_001244008.1); c.4308C>T, p.Ser1436= (NM_001320705.2, NM_001379649.1); c.4335C>T, p.Ser1445= (NM_001330289.2); c.4383C>T, p.Ser1461= (NM_001330290.2, NM_001379648.1); c.4659C>T, p.Ser1553= (NM_001379631.1); c.4560C>T, p.Ser1520= (NM_001379632.1); c.4557C>T, p.Ser1519= (NM_001379633.1, NM_001379645.1); c.4410C>T, p.Ser1470= (NM_001379634.1); and 8 more.
Identifiers: ClinVar variation 751764 (VCV000751764.39), dbSNP rs747267404, ClinGen allele CA2207384.
Genomic context (GRCh38, chr2:240,722,537, plus strand): 5'-CCTCTCGTTGGGAGCCTCCAGGGGTGATGGGCGGCCCTCAGCCGAGAGCGGGGAGGAGGC[G>A]CTGGAGGAGCCATGGGACTCAGAGTCCTCGCTGAAGGCCGGGGACAGTGCCTCCGGGACA-3'
Protein context (NP_001230937.1, residues 1518-1538): SEDSESHGSS[Ser1528=]ASSPLSAEGR

ClinVar aggregate classification (germline): Conflicting classifications of pathogenicity. Review status: criteria provided, conflicting classifications (1 of 4 stars). 5 submissions from 5 submitters: Uncertain significance (1); Likely benign (3). 1 of the submissions does not count toward it. Last evaluated 2025-03-11.

Conditions:
KIF1A-related disorder. Also called: KIF1A-related disorders; KIF1A-related condition.
Neuropathy, hereditary sensory, type 2C. Also called: KIF1A-Related HSAN2 (HSAN2C); Hereditary sensory and autonomic neuropathy type IIC. Identifiers: Orphanet 970, MedGen C3280168, MONDO:0013634, OMIM 614213.
Intellectual disability, autosomal dominant 9 (NESCAVS). Also called: NESCAV SYNDROME; KIF1A-Related Neurodevelopmental Disorder. Identifiers: Orphanet 662367, MedGen C5393830, MONDO:0013656, OMIM 614255.
Hereditary spastic paraplegia 30. Identifiers: Orphanet 101010, MedGen C5235139, MONDO:0012476.

Allele frequency attached by ClinVar (database versions not stated): ExAC below 0.00001; gnomAD exomes 0.00001; gnomAD 0.00002 and 0.00003; TOPMed 0.00003.
gnomAD v4.1: 41 of 1,549,104 alleles (0.0026%); highest among the groups gnomAD compares: Non-Finnish European, 0.0031%; no homozygotes.

Submissions (5):

Labcorp Genetics (formerly Invitae), Labcorp
Classification: Likely benign for Hereditary spastic paraplegia 30; Neuropathy, hereditary sensory, type 2C; Intellectual disability, autosomal dominant 9. Last evaluated: 2025-03-11. Review status: criteria provided, single submitter. Criteria: Invitae Variant Classification Sherloc (09022015). Collection method: clinical testing. Allele origin: germline.

Blueprint Genetics
Classification: Likely benign. Last evaluated: 2024-06-05. Review status: criteria provided, single submitter. Criteria: ACMG Guidelines, 2015. Collection method: clinical testing. Allele origin: germline.

CeGaT Center for Human Genetics Tuebingen
Classification: Likely benign. Last evaluated: 2024-01-01. Review status: criteria provided, single submitter. Criteria: CeGaT Center For Human Genetics Tuebingen Variant Classification Criteria Version 2. Collection method: clinical testing. Allele origin: germline. Affected: yes. Observed: 2 variant alleles.
Comment: KIF1A: BP4, BP7

Genetic Services Laboratory, University of Chicago
Classification: Uncertain significance. Last evaluated: 2018-06-06. Review status: criteria provided, single submitter. Criteria: ACMG Guidelines, 2015. Collection method: clinical testing. Allele origin: germline. Affected: no.

PreventionGenetics, part of Exact Sciences
Classification: Likely benign for KIF1A-related condition. Last evaluated: 2024-08-06. Review status: no assertion criteria provided. Collection method: clinical testing. Allele origin: germline. Not counted in ClinVar's aggregate classification.
Comment: This variant is classified as likely benign based on ACMG/AMP sequence variant interpretation guidelines (Richards et al. 2015 PMID: 25741868, with internal and published modifications).